The following is an entry in ClinVar:

NM_000545.8(HNF1A):c.-30C>T

Gene: HNF1A (HNF1 homeobox A; plus strand). Cytogenetic location: 12q24.31.
Variant type: single nucleotide variant.
Coding change: c.-30C>T on transcript NM_000545.8 (MANE Select); 30 bases upstream of the start codon, C replaced by T.
Molecular consequence: 5 prime UTR variant.
Genome position (GRCh38, 1-based): chr12:120,978,739, C>T. VCF-style: chr12-120978739-C-T. GRCh37 (hg19) VCF-style: chr12-121416542-C-T.
Other names: c.-30C>T (NM_001306179.2, NM_001406915.1).
Identifiers: ClinVar variation 3366772 (VCV003366772.1).

ClinVar aggregate classification (germline): Uncertain significance (1 of 4 stars; one submission).

gnomAD v4.1: 9 of 1,606,708 alleles (0.00056%); highest among the groups gnomAD compares: Admixed American, 0.005%; no homozygotes.

Submission:

Women's Health and Genetics/Laboratory Corporation of America, LabCorp
Classification: Uncertain significance. Last evaluated: 2024-08-15. Review status: criteria provided, single submitter. Criteria: LabCorp Variant Classification Summary - May 2015. Collection method: clinical testing. Allele origin: germline.
Comment: Variant summary: HNF1A c.-30C>T is located in the untranslated mRNA region upstream of the initiation codon. The variant allele was found at a frequency of 1.2e-05 in 241088 control chromosomes. The available data on variant occurrences in the general population are insufficient to allow any conclusion about variant significance. To our knowledge, no occurrence of c.-30C>T in individuals affected with Maturity Onset Diabetes Of The Young 3 and no experimental evidence demonstrating its impact on protein function have been reported. No submitters have cited clinical-significance assessments for this variant to ClinVar. Based on the evidence outlined above, the variant was classified as uncertain significance.